The following is an entry in ClinVar:

ClinVar aggregate classification (germline): Uncertain significance (1 of 4 stars; one submission).

Submission:

Labcorp Genetics (formerly Invitae), Labcorp
Classification: Uncertain significance. Last evaluated: 2022-07-25. Review status: criteria provided, single submitter. Criteria: Invitae Variant Classification Sherloc (09022015). Collection method: clinical testing. Allele origin: germline.
Comment: In summary, the available evidence is currently insufficient to determine the role of this variant in disease. Therefore, it has been classified as a Variant of Uncertain Significance. Algorithms developed to predict the effect of sequence changes on RNA splicing suggest that this variant may create or strengthen a splice site. Algorithms developed to predict the effect of missense changes on protein structure and function are either unavailable or do not agree on the potential impact of this missense change (SIFT: "Not Available"; PolyPhen-2: "Benign"; Align-GVGD: "Not Available"). This variant has not been reported in the literature in individuals affected with USH1G-related conditions. This variant is not present in population databases (gnomAD no frequency). This sequence change replaces aspartic acid, which is acidic and polar, with valine, which is neutral and non-polar, at codon 337 of the USH1G protein (p.Asp337Val).

NM_173477.5(USH1G):c.1010A>T (p.Asp337Val)

Gene: USH1G (USH1 protein network component sans; minus strand). Cytogenetic location: 17q25.1.
Variant type: single nucleotide variant.
Coding change: c.1010A>T on transcript NM_173477.5 (MANE Select); coding-DNA position 1010, A replaced by T.
Protein change: p.Asp337Val; replaces aspartic acid 337 with valine.
Molecular consequence: missense variant.
Genome position (GRCh38, 1-based): chr17:74,919,826, T>A on the plus strand (A>T on the coding strand, the complement: USH1G is on the minus strand). VCF-style: chr17-74919826-T-A. GRCh37 (hg19) VCF-style: chr17-72915921-T-A.
Other names: c.701A>T, p.Asp234Val (NM_001282489.3); short protein forms D234V, D337V.
Identifiers: ClinVar variation 2187504 (VCV002187504.3), dbSNP rs2144752996, ClinGen allele CA400962055.
Genomic context (GRCh38, chr17:74,919,826, plus strand): 5'-AGGCTGTCATCGTCCAGGCTGGGGGAGCTCTGCAGCCGACCCCGCGGCGCTCCCACCCCA[T>A]CCAGACCCCCATCCTCGCGGCCCAGTCCGTGCAGCCCACTGCTCAAGTAATTTCTGCGGA-3'
Protein context (NP_775748.2, residues 327-347): HGLGREDGGL[Asp337Val]GVGAPRGRLQ